The following is an entry in ClinVar:

ClinVar aggregate classification (germline): Uncertain significance (1 of 4 stars; one submission).

Conditions:
Tuberous sclerosis 2 (TSC2). Identifiers: Orphanet 805, MedGen C1860707, MONDO:0013199, OMIM 613254.

Submission:

Labcorp Genetics (formerly Invitae), Labcorp
Classification: Uncertain significance for Tuberous sclerosis 2. Last evaluated: 2025-02-10. Review status: criteria provided, single submitter. Criteria: Invitae Variant Classification Sherloc (09022015). Collection method: clinical testing. Allele origin: germline.
Comment: This sequence change falls in intron 37 of the TSC2 gene. It does not directly change the encoded amino acid sequence of the TSC2 protein. This variant is not present in population databases (gnomAD no frequency). This variant has not been reported in the literature in individuals affected with TSC2-related conditions. Experimental studies and prediction algorithms are not available or were not evaluated, and the functional significance of this variant is currently unknown. In summary, the available evidence is currently insufficient to determine the role of this variant in disease. Therefore, it has been classified as a Variant of Uncertain Significance.

NM_000548.5(TSC2):c.4849+17_4849+33dup

Gene: TSC2 (TSC complex subunit 2; plus strand). Cytogenetic location: 16p13.3.
Variant type: Duplication.
Coding change: c.4849+17_4849+33dup on transcript NM_000548.5 (MANE Select); bases 17 to 33 of the intron after coding-DNA position 4849, 17 bases duplicated (ACCCGCTCCTGCTGCCC).
Molecular consequence: intron variant.
Genome position (GRCh38, 1-based): chr16:2,086,396-2,086,412, ACCCGCTCCTGCTGCCC duplicated. VCF-style (leftmost placement, unchanged base first): chr16-2086395-T-TACCCGCTCCTGCTGCCC. GRCh37 (hg19) VCF-style: chr16-2136396-T-TACCCGCTCCTGCTGCCC.
Other names: c.3307+17_3307+33dup (NM_001406693.1, NM_001406692.1, NM_001406694.1); c.4741+17_4741+33dup (NM_001406667.1); c.4738+17_4738+33dup (NM_001406668.1); c.4249+17_4249+33dup (NM_001406680.1); c.4180+17_4180+33dup (NM_001406683.1, NM_001406682.1); c.4048+17_4048+33dup (NM_001406687.1, NM_001406688.1); c.3436+17_3436+33dup (NM_001406689.1); c.3376+17_3376+33dup (NM_001406690.1); and 26 more.
Identifiers: ClinVar variation 4693517 (VCV004693517.1).